The following is an entry in ClinVar:

NM_147686.4(TRAF3IP2):c.625A>C (p.Ile209Leu)

Genes: TRAF3IP2 (TRAF3 interacting protein 2; minus strand), TRAF3IP2-AS1 (TRAF3IP2 antisense RNA 1; plus strand), LOC114803478 (TRAF3IP2 eExon liver enhancer; plus strand). Cytogenetic location: 6q21.
Variant type: single nucleotide variant.
Coding change: c.625A>C on transcript NM_147686.4 (MANE Select); coding-DNA position 625, A replaced by C.
Protein change: p.Ile209Leu; replaces isoleucine 209 with leucine.
Molecular consequence: missense variant.
Genome position (GRCh38, 1-based): chr6:111,591,462, T>G on the plus strand (A>C on the coding strand, the complement: TRAF3IP2 is on the minus strand). VCF-style: chr6-111591462-T-G. GRCh37 (hg19) VCF-style: chr6-111912665-T-G.
Other names: c.625A>C, p.Ile209Leu (NM_001164281.3); c.652A>C, p.Ile218Leu (NM_147200.3); short protein forms I209L, I218L.
Identifiers: ClinVar variation 939361 (VCV000939361.6), dbSNP rs997754649, ClinGen allele CA145287758.

ClinVar aggregate classification (germline): Uncertain significance (1 of 4 stars; one submission).

Conditions:
Candidiasis, familial, 8 (CANDF8). Identifiers: Orphanet 1334, MedGen C3714992, MONDO:0014230, OMIM 615527.

Allele frequency attached by ClinVar (database versions not stated): gnomAD 0.00003; TOPMed 0.00005.
gnomAD v4.1: 42 of 1,596,270 alleles (0.0026%); highest among the groups gnomAD compares: Non-Finnish European, 0.0031%; no homozygotes.

Submission:

Labcorp Genetics (formerly Invitae), Labcorp
Classification: Uncertain significance for Candidiasis, familial, 8. Last evaluated: 2024-10-04. Review status: criteria provided, single submitter. Criteria: Invitae Variant Classification Sherloc (09022015). Collection method: clinical testing. Allele origin: germline.
Comment: This sequence change replaces isoleucine, which is neutral and non-polar, with leucine, which is neutral and non-polar, at codon 209 of the TRAF3IP2 protein (p.Ile209Leu). This variant is present in population databases (no rsID available, gnomAD 0.002%). This variant has not been reported in the literature in individuals affected with TRAF3IP2-related conditions. ClinVar contains an entry for this variant (Variation ID: 939361). Invitae Evidence Modeling of protein sequence and biophysical properties (such as structural, functional, and spatial information, amino acid conservation, physicochemical variation, residue mobility, and thermodynamic stability) indicates that this missense variant is not expected to disrupt TRAF3IP2 protein function with a negative predictive value of 80%. In summary, the available evidence is currently insufficient to determine the role of this variant in disease. Therefore, it has been classified as a Variant of Uncertain Significance.